The following is an entry in ClinVar:

NM_001080512.3(BICC1):c.790G>T (p.Val264Leu)

Gene: BICC1 (BicC family RNA binding protein 1; plus strand). Cytogenetic location: 10q21.1.
Variant type: single nucleotide variant.
Coding change: c.790G>T on transcript NM_001080512.3 (MANE Select); coding-DNA position 790, G replaced by T.
Protein change: p.Val264Leu; replaces valine 264 with leucine.
Molecular consequence: missense variant.
Genome position (GRCh38, 1-based): chr10:58,789,451, G>T. VCF-style: chr10-58789451-G-T. GRCh37 (hg19) VCF-style: chr10-60549211-G-T.
Other names: short protein forms V264L.
Identifiers: ClinVar variation 2374068 (VCV002374068.4), dbSNP rs201679654, ClinGen allele CA5508320.

ClinVar aggregate classification (germline): Uncertain significance. Review status: criteria provided, multiple submitters, no conflicts (2 of 4 stars). 3 submissions from 3 submitters: Uncertain significance (3). Last evaluated 2026-01-16.

Conditions:
Renal dysplasia, cystic, susceptibility to. Identifiers: MedGen C3275898, MONDO:0011037, OMIM 601331.

Allele frequency attached by ClinVar (database versions not stated): gnomAD 0.00003; ExAC 0.00004; gnomAD exomes 0.00004; TOPMed 0.00009.
gnomAD v4.1: 71 of 1,610,176 alleles (0.0044%); highest among the groups gnomAD compares: Middle Eastern, 0.066%; no homozygotes.

Submissions (3):

Labcorp Genetics (formerly Invitae), Labcorp
Classification: Uncertain significance. Last evaluated: 2026-01-16. Review status: criteria provided, single submitter. Criteria: Invitae Variant Classification Sherloc (09022015). Collection method: clinical testing. Allele origin: germline.
Comment: This sequence change replaces valine, which is neutral and non-polar, with leucine, which is neutral and non-polar, at codon 264 of the BICC1 protein (p.Val264Leu). This variant is present in population databases (rs201679654, gnomAD 0.03%). This variant has not been reported in the literature in individuals affected with BICC1-related conditions. ClinVar contains an entry for this variant (Variation ID: 2374068). An algorithm developed to predict the effect of missense changes on protein structure and function (PolyPhen-2) suggests that this variant is likely to be tolerated. In summary, the available evidence is currently insufficient to determine the role of this variant in disease. Therefore, it has been classified as a Variant of Uncertain Significance.

Fulgent Genetics
Classification: Uncertain significance for Renal dysplasia, cystic, susceptibility to. Last evaluated: 2024-05-28. Review status: criteria provided, single submitter. Criteria: ACMG Guidelines, 2015. Collection method: clinical testing. Allele origin: germline.

Ambry Genetics
Classification: Uncertain significance. Last evaluated: 2021-09-30. Review status: criteria provided, single submitter. Criteria: Ambry Variant Classification Scheme 2023. Collection method: clinical testing. Allele origin: germline.